The following is an entry in ClinVar:

ClinVar aggregate classification (germline): Likely benign (1 of 4 stars; one submission).

Submission:

CeGaT Center for Human Genetics Tuebingen
Classification: Likely benign. Last evaluated: 2024-07-01. Review status: criteria provided, single submitter. Criteria: CeGaT Center For Human Genetics Tuebingen Variant Classification Criteria Version 2. Collection method: clinical testing. Allele origin: germline. Affected: yes. Observed: 1 variant allele.
Comment: CHD1L: PM2:Supporting, BP4, BP7

NM_004284.6(CHD1L):c.2323C>T (p.Leu775=)

Gene: CHD1L (chromodomain helicase DNA binding protein 1 like; plus strand). Cytogenetic location: 1q21.1.
Variant type: single nucleotide variant.
Coding change: c.2323C>T on transcript NM_004284.6 (MANE Select); coding-DNA position 2323, C replaced by T.
Protein change: p.Leu775=; no amino-acid change (leucine 775 retained).
Molecular consequence: synonymous variant. On other transcripts: non-coding transcript variant (16).
Genome position (GRCh38, 1-based): chr1:147,291,484, C>T. VCF-style: chr1-147291484-C-T. GRCh37 (hg19) VCF-style: chr1-146763166-C-T.
Other names: c.2023C>T, p.Leu675= (NM_001256336.3); c.1480C>T, p.Leu494= (NM_001256337.3, NM_001348456.2, NM_001348457.2 and 9 more transcripts); c.1711C>T, p.Leu571= (NM_001256338.3); c.2107C>T, p.Leu703= (NM_001348451.2, NM_001348452.2); c.1984C>T, p.Leu662= (NM_001348453.2, NM_024568.4); c.1867C>T, p.Leu623= (NM_001348454.2); c.1834C>T, p.Leu612= (NM_001348455.2).
Identifiers: ClinVar variation 3257009 (VCV003257009.17).